The following is an entry in ClinVar:

NM_152419.3(HGSNAT):c.952A>C (p.Ser318Arg)

Gene: HGSNAT (heparan-alpha-glucosaminide N-acetyltransferase; plus strand). Cytogenetic location: 8p11.21.
Variant type: single nucleotide variant.
Coding change: c.952A>C on transcript NM_152419.3 (MANE Select); coding-DNA position 952, A replaced by C.
Protein change: p.Ser318Arg; replaces serine 318 with arginine.
Molecular consequence: missense variant. On other transcripts: intron variant (1).
Genome position (GRCh38, 1-based): chr8:43,178,174, A>C. VCF-style: chr8-43178174-A-C. GRCh37 (hg19) VCF-style: chr8-43033317-A-C.
Other names: c.952A>C, p.Ser318Arg (NM_001363227.2); c.88A>C, p.Ser30Arg (NM_001363229.2); c.821-3971A>C (NM_001363228.2); short protein forms S30R, S318R.
Identifiers: ClinVar variation 2005949 (VCV002005949.4), dbSNP rs2487003092, ClinGen allele CA371117242.

ClinVar aggregate classification (germline): Uncertain significance (1 of 4 stars; one submission).

Conditions:
Retinitis pigmentosa 73 (RP73). Identifiers: Orphanet 791, MedGen C4225287, MONDO:0014687, OMIM 616544.
Mucopolysaccharidosis, MPS-III-C (MPS3C). Also called: SANFILIPPO SYNDROME C; MPS III C; Mucopolysaccharidosis type IIIC (Sanfilippo C); MUCOPOLYSACCHARIDOSIS, TYPE IIIC; mucopolysaccharidosis type 3C; MPS IIIC (Sanfilippo Syndrome Type C). Identifiers: Orphanet 581, Orphanet 79271, MedGen C0086649, MONDO:0009657, OMIM 252930.

Submission:

Labcorp Genetics (formerly Invitae), Labcorp
Classification: Uncertain significance for Retinitis pigmentosa 73; Mucopolysaccharidosis, MPS-III-C. Last evaluated: 2022-08-06. Review status: criteria provided, single submitter. Criteria: Invitae Variant Classification Sherloc (09022015). Collection method: clinical testing. Allele origin: germline.
Comment: In summary, the available evidence is currently insufficient to determine the role of this variant in disease. Therefore, it has been classified as a Variant of Uncertain Significance. Advanced modeling of protein sequence and biophysical properties (such as structural, functional, and spatial information, amino acid conservation, physicochemical variation, residue mobility, and thermodynamic stability) performed at Invitae indicates that this missense variant is expected to disrupt HGSNAT protein function. This variant has not been reported in the literature in individuals affected with HGSNAT-related conditions. This variant is not present in population databases (gnomAD no frequency). This sequence change replaces serine, which is neutral and polar, with arginine, which is basic and polar, at codon 318 of the HGSNAT protein (p.Ser318Arg).